The following is an entry in ClinVar:

ClinVar aggregate classification (germline): Uncertain significance (1 of 4 stars; one submission).

Conditions:
Inborn genetic diseases. Identifiers: MedGen C0950123, MeSH D030342.

gnomAD v4.1: 1 of 1,614,200 alleles (0.000062%); highest among the groups gnomAD compares: Non-Finnish European, 0.000085%; no homozygotes.

Submission:

Ambry Genetics
Classification: Uncertain significance for Inborn genetic diseases. Last evaluated: 2025-03-26. Review status: criteria provided, single submitter. Criteria: Ambry Variant Classification Scheme 2023. Collection method: clinical testing. Allele origin: germline.
Comment: The p.Q913K variant (also known as c.2737C>A), located in coding exon 12 of the BMPR2 gene, results from a C to A substitution at nucleotide position 2737. The glutamine at codon 913 is replaced by lysine, an amino acid with similar properties. This amino acid position is conserved. In addition, the in silico prediction for this alteration is inconclusive. Based on the available evidence, the clinical significance of this variant remains unclear.

NM_001204.7(BMPR2):c.2737C>A (p.Gln913Lys)

Gene: BMPR2 (bone morphogenetic protein receptor type 2; plus strand). Cytogenetic location: 2q33.2.
Variant type: single nucleotide variant.
Coding change: c.2737C>A on transcript NM_001204.7 (MANE Select); coding-DNA position 2737, C replaced by A.
Protein change: p.Gln913Lys; replaces glutamine 913 with lysine.
Molecular consequence: missense variant.
Genome position (GRCh38, 1-based): chr2:202,556,402, C>A. VCF-style: chr2-202556402-C-A. GRCh37 (hg19) VCF-style: chr2-203421125-C-A.
Other names: short protein forms Q913K.
Identifiers: ClinVar variation 3992064 (VCV003992064.1).